The following is an entry in ClinVar:

ClinVar aggregate classification (germline): Likely benign (1 of 4 stars; one submission).

Conditions:
MC4R-related disorder. Also called: MC4R-related condition.

Submission:

PreventionGenetics, part of Exact Sciences
Classification: Likely benign for MC4R-related condition. Last evaluated: 2025-05-05. Review status: criteria provided, single submitter. Criteria: ACMG Guidelines, 2015. Collection method: clinical testing. Allele origin: germline.
Comment: This variant is classified as likely benign based on ACMG/AMP sequence variant interpretation guidelines (Richards et al. 2015 PMID: 25741868, with internal and published modifications).

NM_005912.3(MC4R):c.318A>C (p.Leu106=)

Gene: MC4R (melanocortin 4 receptor; minus strand). Cytogenetic location: 18q21.32.
Variant type: single nucleotide variant.
Coding change: c.318A>C on transcript NM_005912.3 (MANE Select); coding-DNA position 318, A replaced by C.
Protein change: p.Leu106=; no amino-acid change (leucine 106 retained).
Molecular consequence: synonymous variant.
Genome position (GRCh38, 1-based): chr18:60,372,032, T>G on the plus strand (A>C on the coding strand, the complement: MC4R is on the minus strand). VCF-style: chr18-60372032-T-G. GRCh37 (hg19) VCF-style: chr18-58039265-T-G.
Identifiers: ClinVar variation 4999001 (VCV004999001.1).